The following is an entry in ClinVar:

NM_000525.4(KCNJ11):c.527G>A (p.Arg176His)

Gene: KCNJ11 (potassium inwardly rectifying channel subfamily J member 11; minus strand). Cytogenetic location: 11p15.1.
Variant type: single nucleotide variant.
Coding change: c.527G>A on transcript NM_000525.4 (MANE Select); coding-DNA position 527, G replaced by A.
Protein change: p.Arg176His; replaces arginine 176 with histidine.
Molecular consequence: missense variant.
Genome position (GRCh38, 1-based): chr11:17,387,565, C>T on the plus strand (G>A on the coding strand, the complement: KCNJ11 is on the minus strand). VCF-style: chr11-17387565-C-T. GRCh37 (hg19) VCF-style: chr11-17409112-C-T.
Other names: c.266G>A, p.Arg89His (NM_001166290.2, NM_001377296.1, NM_001377297.1); short protein forms R176H, R89H.
Identifiers: ClinVar variation 555940 (VCV000555940.4), dbSNP rs1266231295, ClinGen allele CA379773008.
Genomic context (GRCh38, chr11:17,387,565, plus strand): 5'-AGGCGGCCGTGGCGCAGGGCGATCACCGCATGCTTGCTGAAGATGAGGGTCTCAGCCCTG[C>T]GGTGGGCTTGGGCAGTCTTCATGAAGATGCAGCCAAGCATGATGGCGTTGATCATGAGCC-3'
Protein context (NP_000516.3, residues 166-186): CIFMKTAQAH[Arg176His]RAETLIFSKH

ClinVar aggregate classification (germline): Uncertain significance. Review status: criteria provided, multiple submitters, no conflicts (2 of 4 stars). 3 submissions from 3 submitters: Uncertain significance (2). 1 of the submissions does not count toward it. Last evaluated 2022-03-16.

Conditions:
Maturity-onset diabetes of the young (MODY). Also called: Maturity onset diabetes mellitus in young. Identifiers: Orphanet 552, MedGen C0342276, MONDO:0018911, HP:0004904.
Diabetes mellitus, transient neonatal, 3 (TNDM3). Identifiers: Orphanet 99886, MedGen C1864623, MONDO:0012522, OMIM 610582. Disease mechanism: loss of function.
Hyperinsulinemic hypoglycemia, familial, 2. Also called: HYPERINSULINEMIC HYPOGLYCEMIA, PERSISTENT; HYPERINSULINISM, NEONATAL. Identifiers: Orphanet 276580, Orphanet 276603, MedGen C2931833, MONDO:0011153, OMIM 601820. Disease mechanism: loss of function.
Permanent neonatal diabetes mellitus 1. Also called: GCK-Related Permanent Neonatal Diabetes Mellitus. Identifiers: MedGen C5393570, MONDO:0100165, OMIM 606176.
Diabetes mellitus, permanent neonatal 2. Also called: KCNJ11-Related Permanent Neonatal Diabetes Mellitus. Identifiers: MedGen C5394296, MONDO:0030087, OMIM 618856.
Maturity-onset diabetes of the young type 13. Also called: MODY, TYPE 13. Identifiers: Orphanet 552, MedGen C4225365, MONDO:0014589, OMIM 616329.
Type 2 diabetes mellitus. Also called: Type II diabetes mellitus. Identifiers: MedGen C0011860, MeSH D003924, MONDO:0005148, OMIM 125853, HP:0005978.

Allele frequency attached by ClinVar (database versions not stated): TOPMed below 0.00001; gnomAD 0.00001.

Submissions (3):

Fulgent Genetics
Classification: Uncertain significance for Type 2 diabetes mellitus; Hyperinsulinemic hypoglycemia, familial, 2; Diabetes mellitus, transient neonatal, 3; Maturity-onset diabetes of the young type 13; Diabetes mellitus, permanent neonatal 2. Last evaluated: 2022-03-16. Review status: criteria provided, single submitter. Criteria: ACMG Guidelines, 2015. Collection method: clinical testing. Allele origin: unknown.

Clinical Genomics, Uppaluri K&H Personalized Medicine Clinic
Classification: Uncertain significance for Maturity-onset diabetes of the young. Review status: criteria provided, single submitter. Criteria: K & H Uppaluri Personalized Medicine Clinic Variant Classification & Assertion Criteria_Updated V.1. Collection method: research. Allele origin: somatic. Inheritance: Autosomal dominant inheritance.
Comment: Mutations in KCNJ11 gene can cause decreased production and secretion of insulin. This can lead to MODY which may be responsive to oral sulfonylureas. However, the significance of this particular variant (rs1266231295) in MODY remains uncertain.

Counsyl
Classification: Uncertain significance for Hyperinsulinemic hypoglycemia, familial, 2; Permanent neonatal diabetes mellitus 1; Diabetes mellitus, transient neonatal, 3. Last evaluated: 2018-01-04. Review status: no assertion criteria provided. Collection method: clinical testing. Allele origin: unknown. Not counted in ClinVar's aggregate classification.

Literature cited by the submitters: PubMed 23320570 (cited by Clinical Genomics, Uppaluri K&H Personalized Medicine Clinic); PubMed 27691052 (cited by Counsyl).